The following is an entry in ClinVar:

ClinVar aggregate classification (germline): Uncertain significance (1 of 4 stars; one submission).

Conditions:
Marfan syndrome (MFS). Also called: MARFAN SYNDROME, TYPE I; Marfan syndrome type 1; Marfan's syndrome; Marfan syndrome, classic; FBN1-Related Marfan Syndrome. Identifiers: Orphanet 284963, Orphanet 558, MedGen C0024796, MONDO:0007947, OMIM 154700.
Familial thoracic aortic aneurysm and aortic dissection (TAAD). Also called: Thoracic aortic aneurysms and dissections. Identifiers: Orphanet 91387, MedGen C4707243, MONDO:0019625.

Submission:

Labcorp Genetics (formerly Invitae), Labcorp
Classification: Uncertain significance for Marfan syndrome; Familial thoracic aortic aneurysm and aortic dissection. Last evaluated: 2020-12-30. Review status: criteria provided, single submitter. Criteria: Invitae Variant Classification Sherloc (09022015). Collection method: clinical testing. Allele origin: germline.
Comment: This sequence change replaces alanine with proline at codon 2783 of the FBN1 protein (p.Ala2783Pro). The alanine residue is highly conserved and there is a small physicochemical difference between alanine and proline. In summary, the available evidence is currently insufficient to determine the role of this variant in disease. Therefore, it has been classified as a Variant of Uncertain Significance. Advanced modeling of protein sequence and biophysical properties (such as structural, functional, and spatial information, amino acid conservation, physicochemical variation, residue mobility, and thermodynamic stability) performed at Invitae indicates that this missense variant is expected to disrupt FBN1 protein function. This variant has not been reported in the literature in individuals with FBN1-related conditions. This variant is not present in population databases (ExAC no frequency).

NM_000138.5(FBN1):c.8347G>C (p.Ala2783Pro)

Gene: FBN1 (fibrillin 1; minus strand). Cytogenetic location: 15q21.1.
Variant type: single nucleotide variant.
Coding change: c.8347G>C on transcript NM_000138.5 (MANE Select); coding-DNA position 8347, G replaced by C.
Protein change: p.Ala2783Pro; replaces alanine 2783 with proline.
Molecular consequence: missense variant.
Genome position (GRCh38, 1-based): chr15:48,411,259, C>G on the plus strand (G>C on the coding strand, the complement: FBN1 is on the minus strand). VCF-style: chr15-48411259-C-G. GRCh37 (hg19) VCF-style: chr15-48703456-C-G.
Other names: short protein forms A2783P.
Identifiers: ClinVar variation 1488388 (VCV001488388.8), dbSNP rs2141209966, ClinGen allele CA392319463.